The following is an entry in ClinVar:

ClinVar aggregate classification (germline): Uncertain significance (1 of 4 stars; one submission).

Conditions:
PLA2G6-associated neurodegeneration (PLAN). Also called: phospholipase A2-associated neurodegeneration. Identifiers: Orphanet 329303, MedGen CN204472, MONDO:0017998.

Allele frequency attached by ClinVar (database versions not stated): gnomAD exomes 0.00001; TOPMed below 0.00001.
gnomAD v4.1: 3 of 1,554,880 alleles (0.00019%); highest among the groups gnomAD compares: South Asian, 0.0012%; no homozygotes.

Submission:

Broad Center for Mendelian Genomics, Broad Institute of MIT and Harvard
Classification: Uncertain significance for PLA2G6-associated neurodegeneration. Last evaluated: 2023-01-24. Review status: criteria provided, single submitter. Criteria: ACMG Guidelines, 2015. Collection method: curation. Allele origin: germline. Inheritance: Autosomal recessive inheritance.
Comment: The p.Gly340Arg variant in PLA2G6 has been reported in 1 individual, in the homozygous state, with PLA2G6-associated neurodegeneration (PMID: 16783378) and has been identified in 0.002% (1/64290) of European (non-Finnish) chromosomes by the Genome Aggregation Database (gnomAD; dbSNP ID: rs1320175325). Although this variant has been seen in the general population in a heterozygous state, its frequency is low enough to be consistent with a recessive carrier frequency. Computational prediction tools and conservation analyses do not provide strong support for or against an impact to the protein. In summary, the clinical significance of the p.Gly340Arg variant is uncertain. ACMG/AMP Criteria applied: PM2_supporting, PM3_supporting (Richards 2015).

NM_003560.4(PLA2G6):c.1018G>A (p.Gly340Arg)

Gene: PLA2G6 (phospholipase A2 group VI; minus strand). Cytogenetic location: 22q13.1.
Variant type: single nucleotide variant.
Coding change: c.1018G>A on transcript NM_003560.4 (MANE Select); coding-DNA position 1018, G replaced by A.
Protein change: p.Gly340Arg; replaces glycine 340 with arginine.
Molecular consequence: missense variant.
Genome position (GRCh38, 1-based): chr22:38,132,890, C>T on the plus strand (G>A on the coding strand, the complement: PLA2G6 is on the minus strand). VCF-style: chr22-38132890-C-T. GRCh37 (hg19) VCF-style: chr22-38528897-C-T.
Other names: NM_001004426.3:c.1018G>A; c.1018G>A, p.Gly340Arg (NM_001004426.3, NM_001199562.3, NM_001349864.2 and 2 more transcripts); c.484G>A, p.Gly162Arg (NM_001349867.2, NM_001349869.2); c.340G>A, p.Gly114Arg (NM_001349868.2); short protein forms G162R, G114R, G340R.
Identifiers: ClinVar variation 2412651 (VCV002412651.1), dbSNP rs1320175325, ClinGen allele CA411530730.